The following is an entry in ClinVar:

ClinVar aggregate classification (germline): Likely pathogenic. Review status: reviewed by expert panel (3 of 4 stars). 3 submissions from 3 submitters: Likely pathogenic (1). 2 of the submissions do not count toward it. Last evaluated 2026-06-19.

Conditions:
ATM-related cancer predisposition. Also called: ATM-related cancer susceptibility. Identifiers: MedGen CN377759, MONDO:0700270.
Hereditary cancer-predisposing syndrome. Also called: Tumor predisposition; Hereditary neoplastic syndrome; Hereditary Cancer Syndrome; Neoplastic Syndromes, Hereditary. Identifiers: Orphanet 140162, MedGen C0027672, MeSH D009386, MONDO:0015356.
Ataxia-telangiectasia syndrome (AT). Also called: Ataxia-telangiectasia; Ataxia telangiectasia (A-T); AT, COMPLEMENTATION GROUP C; Ataxia-telangiectasia, complementation group E; LOUIS-BAR SYNDROME; Cerebello-oculocutaneous telangiectasia. Identifiers: Orphanet 100, MedGen C0004135, MONDO:0008840, OMIM 208900.

Submissions (3):

ClinGen Hereditary Breast, Ovarian and Pancreatic Cancer Variant Curation Expert Panel, ClinGen
Classification: Likely pathogenic for ATM-related cancer predisposition. Last evaluated: 2026-06-19. Review status: reviewed by expert panel. Criteria: ClinGen HBOP ACMG Specifications ATM V1.5.0. Collection method: curation. Allele origin: germline. Inheritance: Autosomal dominant inheritance.
Comment: The c.2929T>C variant in ATM is missense variant predicted to cause substitution of cystine by arginine at amino acid 977 (p.Cys977Arg). This variant has been detected in individual(s) with Ataxia-Telangiectasia (PMID: 34445196). This variant is absent from gnomAD v4.1.0. The computational predictor REVEL gives a score of 0.82, which is above the threshold of 0.733, evidence that correlates with impact to ATM function. In summary, this variant meets the criteria to be classified as likely pathogenic for autosomal dominant ATM-related cancer predisposition and autosomal recessive Ataxia-Telangiectasia based on the ACMG/AMP criteria applied, as specified by the HBOP VCEP. (PM3_Strong, PM2_Supporting, PP3)

Ambry Genetics
Classification: Likely pathogenic for Hereditary cancer-predisposing syndrome. Last evaluated: 2026-04-24. Review status: criteria provided, single submitter. Criteria: Ambry Variant Classification Scheme 2023. Collection method: clinical testing. Allele origin: germline. Not counted in ClinVar's aggregate classification.
Comment: The p.C977R variant (also known as c.2929T>C), located in coding exon 19 of the ATM gene, results from a T to C substitution at nucleotide position 2929. The cysteine at codon 977 is replaced by arginine, an amino acid with highly dissimilar properties. This variant has been identified in conjunction with other ATM variant(s) in individual(s) with features consistent with ataxia telangiectasia; in at least one instance, the variants were identified in trans (Galatolo D et al. Int J Mol Sci, 2021 Aug;22:). In an assay testing ATM function, this variant showed a functionally abnormal result (Lee KS et al. Cell, 2025 Sep;188:5081-5099.e27). This amino acid position is highly conserved in available vertebrate species. In addition, this alteration is predicted to be deleterious by in silico analysis. This variant is considered to be rare based on population cohorts in the Genome Aggregation Database (gnomAD). Based on the majority of available evidence to date, this variant is likely to be pathogenic.

Molecular Medicine for Neurodegenerative and Neuromuscular Diseases Unit, IRCCS Fondazione Stella Maris
Classification: Likely pathogenic for Ataxia-telangiectasia syndrome. Last evaluated: 2021-07-12. Review status: criteria provided, single submitter. Criteria: ACMG Guidelines, 2015. Collection method: research. Allele origin: inherited. Affected: yes. Not counted in ClinVar's aggregate classification.

Literature cited by the submitters: PubMed 34445196 (cited by Ambry Genetics); PubMed 40580951 (cited by Ambry Genetics).

NM_000051.4(ATM):c.2929T>C (p.Cys977Arg)

Gene: ATM (ATM serine/threonine kinase; plus strand). Cytogenetic location: 11q22.3.
Variant type: single nucleotide variant.
Coding change: c.2929T>C on transcript NM_000051.4 (MANE Select); coding-DNA position 2929, T replaced by C.
Protein change: p.Cys977Arg; replaces cysteine 977 with arginine.
Molecular consequence: missense variant.
Genome position (GRCh38, 1-based): chr11:108,271,258, T>C. VCF-style: chr11-108271258-T-C. GRCh37 (hg19) VCF-style: chr11-108141985-T-C.
Other names: NM_000051.4(ATM):c.2929T>C; p.Cys977Arg; c.2929T>C, p.Cys977Arg (NM_001351834.2); short protein forms C977R.
Identifiers: ClinVar variation 1027443 (VCV001027443.5), dbSNP rs2135551484, ClinGen allele CA382547092.